The following is an entry in ClinVar:

NM_199420.4(POLQ):c.6494T>C (p.Ile2165Thr)

Gene: POLQ (DNA polymerase theta; minus strand). Cytogenetic location: 3q13.33.
Variant type: single nucleotide variant.
Coding change: c.6494T>C on transcript NM_199420.4 (MANE Select); coding-DNA position 6494, T replaced by C.
Protein change: p.Ile2165Thr; replaces isoleucine 2165 with threonine.
Molecular consequence: missense variant.
Genome position (GRCh38, 1-based): chr3:121,473,399, A>G on the plus strand (T>C on the coding strand, the complement: POLQ is on the minus strand). VCF-style: chr3-121473399-A-G. GRCh37 (hg19) VCF-style: chr3-121192246-A-G.
Other names: short protein forms I2165T.
Identifiers: ClinVar variation 3422475 (VCV003422475.1).
Genomic context (GRCh38, chr3:121,473,399, plus strand): 5'-CCAAAGAGCACCTTACTAGTGCTGAACTGTCTTCCCAGCCTTAGCTTGCGTCCATTGTCA[A>G]TCCCTCTTCTGGTAGAACCCAGAGTTTTCTTGCTGCCTTGGTTTTTCATCTCTCTATTTG-3'
Protein context (NP_955452.3, residues 2155-2175): KKTLGSTRRG[Ile2165Thr]DNGRKLRLGR

ClinVar aggregate classification (germline): Uncertain significance (1 of 4 stars; one submission).

Submission:

Ambry Genetics
Classification: Uncertain significance. Last evaluated: 2024-07-31. Review status: criteria provided, single submitter. Criteria: Ambry Variant Classification Scheme 2023. Collection method: clinical testing. Allele origin: germline.
Comment: The p.I2165T variant (also known as c.6494T>C), located in coding exon 21 of the POLQ gene, results from a T to C substitution at nucleotide position 6494. The isoleucine at codon 2165 is replaced by threonine, an amino acid with similar properties. This amino acid position is conserved. In addition, this alteration is predicted to be tolerated by in silico analysis. Based on the available evidence, the clinical significance of this variant remains unclear.